The following is an entry in ClinVar:

NM_020693.4(DSCAML1):c.5951C>A (p.Ala1984Asp)

Gene: DSCAML1 (DS cell adhesion molecule like 1; minus strand). Cytogenetic location: 11q23.3.
Variant type: single nucleotide variant.
Coding change: c.5951C>A on transcript NM_020693.4 (MANE Select); coding-DNA position 5951, C replaced by A.
Protein change: p.Ala1984Asp; replaces alanine 1984 with aspartic acid.
Molecular consequence: missense variant.
Genome position (GRCh38, 1-based): chr11:117,428,539, G>T on the plus strand (C>A on the coding strand, the complement: DSCAML1 is on the minus strand). VCF-style: chr11-117428539-G-T. GRCh37 (hg19) VCF-style: chr11-117299255-G-T.
Other names: short protein forms A1984D.
Identifiers: ClinVar variation 1430468 (VCV001430468.6), dbSNP rs760492346, ClinGen allele CA382751093.

ClinVar aggregate classification (germline): Uncertain significance (1 of 4 stars; one submission).

gnomAD v4.1: 7 of 1,502,884 alleles (0.00047%); highest among the groups gnomAD compares: Admixed American, 0.002%; no homozygotes.

Submission:

Labcorp Genetics (formerly Invitae), Labcorp
Classification: Uncertain significance. Last evaluated: 2025-04-21. Review status: criteria provided, single submitter. Criteria: Invitae Variant Classification Sherloc (09022015). Collection method: clinical testing. Allele origin: germline.
Comment: This sequence change replaces alanine, which is neutral and non-polar, with aspartic acid, which is acidic and polar, at codon 2044 of the DSCAML1 protein (p.Ala2044Asp). The frequency data for this variant in the population databases is considered unreliable, as metrics indicate poor data quality at this position in the gnomAD database. This variant has not been reported in the literature in individuals affected with DSCAML1-related conditions. ClinVar contains an entry for this variant (Variation ID: 1430468). An algorithm developed to predict the effect of missense changes on protein structure and function (PolyPhen-2) suggests that this variant is likely to be tolerated. In summary, the available evidence is currently insufficient to determine the role of this variant in disease. Therefore, it has been classified as a Variant of Uncertain Significance.